The following is an entry in ClinVar:

ClinVar aggregate classification (germline): Uncertain significance. Review status: criteria provided, multiple submitters, no conflicts (2 of 4 stars). 4 submissions from 4 submitters: Uncertain significance (4). Last evaluated 2025-09-09.

Conditions:
Arrhythmogenic right ventricular dysplasia 5. Also called: ARRHYTHMOGENIC RIGHT VENTRICULAR DYSPLASIA, FAMILIAL, 5; Arrhythmogenic Right Ventricular Dysplasia/Cardiomyopathy 5. Identifiers: MedGen C1858379, MONDO:0011459, OMIM 604400.
Cardiomyopathy (CMYO). Also called: Cardiomyopathies. Identifiers: Orphanet 167848, MedGen C0878544, MONDO:0004994, HP:0001638. Inheritance: Various modes of inheritance.
Cardiovascular phenotype. Identifiers: MedGen CN230736.

Allele frequency attached by ClinVar (database versions not stated): TOPMed 0.00002; gnomAD 0.00003 and 0.00004; gnomAD exomes below 0.00001 and 0.00001.
gnomAD v4.1: 8 of 1,613,628 alleles (0.0005%); highest among the groups gnomAD compares: African/African-American, 0.0013%; no homozygotes.

Submissions (4):

Ambry Genetics
Classification: Uncertain significance for Cardiovascular phenotype. Last evaluated: 2025-09-09. Review status: criteria provided, single submitter. Criteria: Ambry Variant Classification Scheme 2023. Collection method: clinical testing. Allele origin: germline.

All of Us Research Program, National Institutes of Health
Classification: Uncertain significance for Arrhythmogenic right ventricular dysplasia 5. Last evaluated: 2024-08-13. Review status: criteria provided, single submitter. Criteria: ACMG Guidelines, 2015. Collection method: clinical testing. Allele origin: germline. Inheritance: Autosomal dominant inheritance. Observed: 3 variant alleles, 3 heterozygotes.
Comment: This missense variant replaces isoleucine with methionine at codon 77 of the TMEM43 protein. Computational prediction suggests that this variant may not impact protein structure and function (internally defined REVEL score threshold <= 0.5, PMID: 27666373). To our knowledge, functional studies have not been reported for this variant. This variant has not been reported in individuals affected with cardiovascular disorders in the literature. This variant has been identified in 1/251104 chromosomes in the general population by the Genome Aggregation Database (gnomAD). The available evidence is insufficient to determine the role of this variant in disease conclusively. Therefore, this variant is classified as a Variant of Uncertain Significance.

This study involves interpretation of variants in research participants for the purpose of population health screening. Participant phenotype was not available at the time of variant classification. Additional details can be found in publication PMID: 35346344, PMCID: PMC8962531

Color Diagnostics, LLC DBA Color Health
Classification: Uncertain significance for Cardiomyopathy. Last evaluated: 2024-03-06. Review status: criteria provided, single submitter. Criteria: ACMG Guidelines, 2015. Collection method: clinical testing. Allele origin: germline.
Comment: This missense variant replaces isoleucine with methionine at codon 77 of the TMEM43 protein. Computational prediction suggests that this variant may not impact protein structure and function (internally defined REVEL score threshold <= 0.5, PMID: 27666373). To our knowledge, functional studies have not been reported for this variant. This variant has not been reported in individuals affected with cardiovascular disorders in the literature. This variant has been identified in 1/251104 chromosomes in the general population by the Genome Aggregation Database (gnomAD). The available evidence is insufficient to determine the role of this variant in disease conclusively. Therefore, this variant is classified as a Variant of Uncertain Significance.

Labcorp Genetics (formerly Invitae), Labcorp
Classification: Uncertain significance for Arrhythmogenic right ventricular dysplasia 5. Last evaluated: 2023-07-14. Review status: criteria provided, single submitter. Criteria: Invitae Variant Classification Sherloc (09022015). Collection method: clinical testing. Allele origin: germline.
Comment: This sequence change replaces isoleucine, which is neutral and non-polar, with methionine, which is neutral and non-polar, at codon 77 of the TMEM43 protein (p.Ile77Met). This variant is present in population databases (no rsID available, gnomAD 0.0009%). This variant has not been reported in the literature in individuals affected with TMEM43-related conditions. ClinVar contains an entry for this variant (Variation ID: 918328). An algorithm developed to predict the effect of missense changes on protein structure and function (PolyPhen-2) suggests that this variant is likely to be disruptive. In summary, the available evidence is currently insufficient to determine the role of this variant in disease. Therefore, it has been classified as a Variant of Uncertain Significance.

NM_024334.3(TMEM43):c.231C>G (p.Ile77Met)

Gene: TMEM43 (transmembrane protein 43; plus strand). Cytogenetic location: 3p25.1.
Variant type: single nucleotide variant.
Coding change: c.231C>G on transcript NM_024334.3 (MANE Select); coding-DNA position 231, C replaced by G.
Protein change: p.Ile77Met; replaces isoleucine 77 with methionine.
Molecular consequence: missense variant.
Genome position (GRCh38, 1-based): chr3:14,130,890, C>G. VCF-style: chr3-14130890-C-G. GRCh37 (hg19) VCF-style: chr3-14172390-C-G.
Other names: short protein forms I77M.
Identifiers: ClinVar variation 918328 (VCV000918328.15), dbSNP rs899266809, ClinGen allele CA69729019.